The following is an entry in ClinVar:

ClinVar aggregate classification (germline): Pathogenic (1 of 4 stars; one submission).

Allele frequency attached by ClinVar (database versions not stated): TOPMed below 0.00001.
gnomAD v4.1: 1 of 1,614,134 alleles (0.000062%); highest among the groups gnomAD compares: Admixed American, 0.0017%; no homozygotes.

Submission:

Labcorp Genetics (formerly Invitae), Labcorp
Classification: Pathogenic. Last evaluated: 2025-10-17. Review status: criteria provided, single submitter. Criteria: Invitae Variant Classification Sherloc (09022015). Collection method: clinical testing. Allele origin: germline.
Comment: This sequence change creates a premature translational stop signal (p.Tyr199*) in the RP1 gene. It is expected to result in an absent or disrupted protein product. Loss-of-function variants in RP1 are known to be pathogenic (PMID: 11960024, 19933189). This variant is present in population databases (no rsID available, gnomAD 0.003%). This premature translational stop signal has been observed in individual(s) with autosomal recessive retinitis pigmentosa (PMID: 24265693). In at least one individual the data is consistent with being in trans (on the opposite chromosome) from a pathogenic variant. ClinVar contains an entry for this variant (Variation ID: 935370). For these reasons, this variant has been classified as Pathogenic.

Literature cited by the submitters: PubMed 11960024; PubMed 19933189; PubMed 24265693.

NM_006269.2(RP1):c.597C>G (p.Tyr199Ter)

Gene: RP1 (RP1 axonemal microtubule associated; plus strand). Cytogenetic location: 8q12.1.
Variant type: single nucleotide variant.
Coding change: c.597C>G on transcript NM_006269.2 (MANE Select); coding-DNA position 597, C replaced by G.
Protein change: p.Tyr199Ter; replaces tyrosine 199 with a stop codon.
Molecular consequence: nonsense.
Genome position (GRCh38, 1-based): chr8:54,621,563, C>G. VCF-style: chr8-54621563-C-G. GRCh37 (hg19) VCF-style: chr8-55534123-C-G.
Other names: c.597C>G, p.Tyr199Ter (NM_001375654.1); short protein forms Y199*.
Identifiers: ClinVar variation 935370 (VCV000935370.9), dbSNP rs748104371, ClinGen allele CA370987385.